The following is an entry in ClinVar:

ClinVar aggregate classification (germline): Uncertain significance (1 of 4 stars; one submission).

Conditions:
POLD1-related polyposis and colorectal cancer syndrome (CRCS10). Also called: Colorectal cancer 10; COLORECTAL CANCER, SUSCEPTIBILITY TO, ON CHROMOSOME 19q; Colorectal cancer, susceptibility to, 10. Identifiers: Orphanet 220460, MedGen C2675481, MONDO:0012953, OMIM 612591.

Submission:

Labcorp Genetics (formerly Invitae), Labcorp
Classification: Uncertain significance for POLD1-related polyposis and colorectal cancer syndrome. Last evaluated: 2024-05-15. Review status: criteria provided, single submitter. Criteria: Invitae Variant Classification Sherloc (09022015). Collection method: clinical testing. Allele origin: germline.
Comment: This sequence change replaces lysine, which is basic and polar, with threonine, which is neutral and polar, at codon 367 of the POLD1 protein (p.Lys367Thr). This variant is not present in population databases (gnomAD no frequency). This variant has not been reported in the literature in individuals affected with POLD1-related conditions. Advanced modeling of protein sequence and biophysical properties (such as structural, functional, and spatial information, amino acid conservation, physicochemical variation, residue mobility, and thermodynamic stability) performed at Invitae indicates that this missense variant is not expected to disrupt POLD1 protein function with a negative predictive value of 80%. In summary, the available evidence is currently insufficient to determine the role of this variant in disease. Therefore, it has been classified as a Variant of Uncertain Significance.

NM_002691.4(POLD1):c.1100A>C (p.Lys367Thr)

Gene: POLD1 (DNA polymerase delta 1, catalytic subunit; plus strand). Cytogenetic location: 19q13.33.
Variant type: single nucleotide variant.
Coding change: c.1100A>C on transcript NM_002691.4 (MANE Select); coding-DNA position 1100, A replaced by C.
Protein change: p.Lys367Thr; replaces lysine 367 with threonine.
Molecular consequence: missense variant. On other transcripts: non-coding transcript variant (1).
Genome position (GRCh38, 1-based): chr19:50,403,182, A>C. VCF-style: chr19-50403182-A-C. GRCh37 (hg19) VCF-style: chr19-50906439-A-C.
Other names: c.1100A>C, p.Lys367Thr (NM_001256849.1, NM_001308632.1); short protein forms K367T.
Identifiers: ClinVar variation 3653435 (VCV003653435.2).